The following is an entry in ClinVar:

NM_020829.4(RIC1):c.453G>C (p.Val151=)

Gene: RIC1 (RIC1 partner of RAB6A GEF complex; plus strand). Cytogenetic location: 9p24.1.
Variant type: single nucleotide variant.
Coding change: c.453G>C on transcript NM_020829.4 (MANE Select); coding-DNA position 453, G replaced by C.
Protein change: p.Val151=; no amino-acid change (valine 151 retained).
Molecular consequence: synonymous variant.
Genome position (GRCh38, 1-based): chr9:5,720,194, G>C. VCF-style: chr9-5720194-G-C. GRCh37 (hg19) VCF-style: chr9-5720194-G-C.
Other names: c.453G>C, p.Val151= (NM_001135920.4, NM_001206557.2).
Identifiers: ClinVar variation 3257633 (VCV003257633.17).

ClinVar aggregate classification (germline): Likely benign (1 of 4 stars; one submission).

gnomAD v4.1: 509 of 1,611,950 alleles (0.032%); highest among the groups gnomAD compares: Middle Eastern, 0.38%; 2 homozygotes.

Submission:

CeGaT Center for Human Genetics Tuebingen
Classification: Likely benign. Last evaluated: 2024-07-01. Review status: criteria provided, single submitter. Criteria: CeGaT Center For Human Genetics Tuebingen Variant Classification Criteria Version 2. Collection method: clinical testing. Allele origin: germline. Affected: yes. Observed: 1 variant allele.
Comment: RIC1: BP4, BP7